The following is an entry in ClinVar:

ClinVar aggregate classification (germline): Uncertain significance (1 of 4 stars; one submission).

Conditions:
Ataxia-telangiectasia syndrome (AT). Also called: LOUIS-BAR SYNDROME; Cerebello-oculocutaneous telangiectasia; Immunodeficiency with ataxia telangiectasia; Ataxia-telangiectasia, complementation group D; AT, COMPLEMENTATION GROUP C; Ataxia-telangiectasia, complementation group E. Identifiers: Orphanet 100, MedGen C0004135, MONDO:0008840, OMIM 208900.

Submission:

Labcorp Genetics (formerly Invitae), Labcorp
Classification: Uncertain significance for Ataxia-telangiectasia syndrome. Last evaluated: 2025-03-26. Review status: criteria provided, single submitter. Criteria: Invitae Variant Classification Sherloc (09022015). Collection method: clinical testing. Allele origin: germline.
Comment: This sequence change replaces glycine, which is neutral and non-polar, with glutamic acid, which is acidic and polar, at codon 2024 of the ATM protein (p.Gly2024Glu). This variant is not present in population databases (gnomAD no frequency). This variant has not been reported in the literature in individuals affected with ATM-related conditions. ClinVar contains an entry for this variant (Variation ID: 407500). Invitae Evidence Modeling of protein sequence and biophysical properties (such as structural, functional, and spatial information, amino acid conservation, physicochemical variation, residue mobility, and thermodynamic stability) indicates that this missense variant is not expected to disrupt ATM protein function with a negative predictive value of 95%. In summary, the available evidence is currently insufficient to determine the role of this variant in disease. Therefore, it has been classified as a Variant of Uncertain Significance.

NM_000051.4(ATM):c.6071G>A (p.Gly2024Glu)

Genes: ATM (ATM serine/threonine kinase; plus strand), C11orf65 (chromosome 11 open reading frame 65; minus strand). Cytogenetic location: 11q22.3.
Variant type: single nucleotide variant.
Coding change: c.6071G>A on transcript NM_000051.4 (MANE Select); coding-DNA position 6071, G replaced by A.
Protein change: p.Gly2024Glu; replaces glycine 2024 with glutamic acid.
Molecular consequence: missense variant. On other transcripts: intron variant (2).
Genome position (GRCh38, 1-based): chr11:108,315,887, G>A. VCF-style: chr11-108315887-G-A. GRCh37 (hg19) VCF-style: chr11-108186614-G-A.
Other names: c.6071G>A, p.Gly2024Glu (NM_001351834.2); c.641-6816C>T (NM_001330368.2); c.*39-6816C>T (NM_001351110.2); short protein forms G2024E.
Identifiers: ClinVar variation 407500 (VCV000407500.11), dbSNP rs1060501564, ClinGen allele CA16613174.